The following is an entry in ClinVar:

NM_004859.4(CLTC):c.1697_1769del (p.Leu566fs)

Gene: CLTC (clathrin heavy chain; plus strand). Cytogenetic location: 17q23.1.
Variant type: Deletion.
Coding change: c.1697_1769del on transcript NM_004859.4 (MANE Select); coding-DNA positions 1697 to 1769, 73 bases deleted.
Protein change: p.Leu566fs; shifts the reading frame from leucine 566.
Molecular consequence: frameshift variant.
Genome position (GRCh38, 1-based): chr17:59,666,155-59,666,227, 73 bases deleted. GRCh37 (hg19): chr17:57,743,516-57,743,588.
Other names: c.1709_1781del, p.Leu570fs (NM_001288653.2); short protein forms L566fs, L570fs.
Identifiers: ClinVar variation 3906115 (VCV003906115.10).

ClinVar aggregate classification (germline): Pathogenic (1 of 4 stars; one submission).

Submission:

CeGaT Center for Human Genetics Tuebingen
Classification: Pathogenic. Last evaluated: 2025-05-01. Review status: criteria provided, single submitter. Criteria: CeGaT Center For Human Genetics Tuebingen Variant Classification Criteria Version 2. Collection method: clinical testing. Allele origin: germline. Affected: yes. Observed: 1 variant allele.
Comment: CLTC: PVS1, PM2, PS2:Supporting